The following is an entry in ClinVar:

ClinVar aggregate classification (germline): Uncertain significance (1 of 4 stars; one submission).

Conditions:
Cardiovascular phenotype. Identifiers: MedGen CN230736.

gnomAD v4.1: 4 of 1,546,410 alleles (0.00026%); highest among the groups gnomAD compares: East Asian, 0.0024%; no homozygotes.

Submission:

Ambry Genetics
Classification: Uncertain significance for Cardiovascular phenotype. Last evaluated: 2025-12-15. Review status: criteria provided, single submitter. Criteria: Ambry Variant Classification Scheme 2023. Collection method: clinical testing. Allele origin: germline.
Comment: The p.K622N variant (also known as c.1866G>C), located in coding exon 15 of the ENG gene, results from a G to C substitution at nucleotide position 1866. The lysine at codon 622 is replaced by asparagine, an amino acid with similar properties. This amino acid position is conserved. In addition, this alteration is predicted to be tolerated by in silico analysis. Based on the available evidence, the clinical significance of this variant remains unclear.

NM_001114753.3(ENG):c.1866G>C (p.Lys622Asn)

Gene: ENG (endoglin; minus strand). Cytogenetic location: 9q34.11.
Variant type: single nucleotide variant.
Coding change: c.1866G>C on transcript NM_001114753.3 (MANE Select); coding-DNA position 1866, G replaced by C.
Protein change: p.Lys622Asn; replaces lysine 622 with asparagine.
Molecular consequence: missense variant. On other transcripts: 3 prime UTR variant (1).
Genome position (GRCh38, 1-based): chr9:127,815,793, C>G on the plus strand (G>C on the coding strand, the complement: ENG is on the minus strand). VCF-style: chr9-127815793-C-G. GRCh37 (hg19) VCF-style: chr9-130578072-C-G.
Other names: c.*124G>C (NM_000118.4); c.1320G>C, p.Lys440Asn (NM_001278138.2); short protein forms K622N, K440N.
Identifiers: ClinVar variation 4836722 (VCV004836722.1).